The following is an entry in ClinVar:

NM_001042492.3(NF1):c.3140A>C (p.Asp1047Ala)

Gene: NF1 (neurofibromin 1; plus strand). Cytogenetic location: 17q11.2.
Variant type: single nucleotide variant.
Coding change: c.3140A>C on transcript NM_001042492.3 (MANE Select); coding-DNA position 3140, A replaced by C.
Protein change: p.Asp1047Ala; replaces aspartic acid 1047 with alanine.
Molecular consequence: missense variant.
Genome position (GRCh38, 1-based): chr17:31,230,868, A>C. VCF-style: chr17-31230868-A-C. GRCh37 (hg19) VCF-style: chr17-29557886-A-C.
Other names: c.3140A>C, p.Asp1047Ala (NM_000267.4); short protein forms D1047A.
Identifiers: ClinVar variation 4017227 (VCV004017227.2).
Genomic context (GRCh38, chr17:31,230,868, plus strand): 5'-GTTTGCTGTTTCTCTTTTCTCCACCATTCTATAGGAATAAGATGGTAGAATACCTGACAG[A>C]CTGGGTTATGGGAACATCAAACCAAGCAGCAGATGATGATGTAAAATGTCTTACAAGGTA-3'
Protein context (NP_001035957.1, residues 1037-1057): FRNKMVEYLT[Asp1047Ala]WVMGTSNQAA

ClinVar aggregate classification (germline): Uncertain significance. Review status: criteria provided, multiple submitters, no conflicts (2 of 4 stars). 2 submissions from 2 submitters: Uncertain significance (2). Last evaluated 2025-09-10.

Conditions:
Neurofibromatosis, type 1 (NF1). Also called: NEUROFIBROMATOSIS, TYPE I, SOMATIC; Neurofibromatosis, type I; VON RECKLINGHAUSEN DISEASE; Peripheral type neurofibromatosis. Identifiers: Orphanet 636, MedGen C0027831, MONDO:0018975, OMIM 162200. Disease mechanism: loss of function.
Cardiovascular phenotype. Identifiers: MedGen CN230736.
Hereditary cancer-predisposing syndrome. Also called: Neoplastic Syndromes, Hereditary; Tumor predisposition; Hereditary Cancer Syndrome; Hereditary neoplastic syndrome. Identifiers: Orphanet 140162, MedGen C0027672, MeSH D009386, MONDO:0015356.

gnomAD v4.1: 1 of 1,610,506 alleles (0.000062%); highest among the groups gnomAD compares: Non-Finnish European, 0.000085%; no homozygotes.

Submissions (2):

Labcorp Genetics (formerly Invitae), Labcorp
Classification: Uncertain significance for Neurofibromatosis, type 1. Last evaluated: 2025-09-10. Review status: criteria provided, single submitter. Criteria: Invitae Variant Classification Sherloc (09022015). Collection method: clinical testing. Allele origin: germline.
Comment: This sequence change replaces aspartic acid, which is acidic and polar, with alanine, which is neutral and non-polar, at codon 1047 of the NF1 protein (p.Asp1047Ala). This variant is not present in population databases (gnomAD no frequency). This variant has not been reported in the literature in individuals affected with NF1-related conditions. ClinVar contains an entry for this variant (Variation ID: 4017227). Invitae Evidence Modeling of protein sequence and biophysical properties (such as structural, functional, and spatial information, amino acid conservation, physicochemical variation, residue mobility, and thermodynamic stability) indicates that this missense variant is expected to disrupt NF1 protein function with a positive predictive value of 95%. In summary, the available evidence is currently insufficient to determine the role of this variant in disease. Therefore, it has been classified as a Variant of Uncertain Significance.

Ambry Genetics
Classification: Uncertain significance for Cardiovascular phenotype; Hereditary cancer-predisposing syndrome. Last evaluated: 2025-03-29. Review status: criteria provided, single submitter. Criteria: Ambry Variant Classification Scheme 2023. Collection method: clinical testing. Allele origin: germline.
Comment: The p.D1047A variant (also known as c.3140A>C), located in coding exon 24 of the NF1 gene, results from an A to C substitution at nucleotide position 3140. The aspartic acid at codon 1047 is replaced by alanine, an amino acid with dissimilar properties. This amino acid position is conserved. In addition, the in silico prediction for this alteration is inconclusive. Based on the available evidence, the clinical significance of this variant remains unclear.